The following is an entry in ClinVar:

NM_002294.3(LAMP2):c.1093+2450G>A

Gene: LAMP2 (lysosome associated membrane protein 2; minus strand). Cytogenetic location: Xq24.
Variant type: single nucleotide variant.
Coding change: c.1093+2450G>A on transcript NM_002294.3 (MANE Select); 2450 bases into the intron after coding-DNA position 1093, G replaced by A.
Molecular consequence: intron variant. On other transcripts: synonymous variant (1).
Genome position (GRCh38, 1-based): chrX:120,439,280, C>T on the plus strand (G>A on the coding strand, the complement: LAMP2 is on the minus strand). VCF-style: chrX-120439280-C-T. GRCh37 (hg19) VCF-style: chrX-119573135-C-T.
Other names: p.S369S:TCG>TCA; c.1107G>A, p.Ser369= (NM_013995.2); c.1093+2450G>A (NM_001122606.1).
Identifiers: ClinVar variation 138071 (VCV000138071.17), dbSNP rs149783672, ClinGen allele CA183512.

ClinVar aggregate classification (germline): Benign/Likely benign. Review status: criteria provided, multiple submitters, no conflicts (2 of 4 stars). 7 submissions from 7 submitters: Benign (2); Likely benign (4). 1 of the submissions does not count toward it. Last evaluated 2025-04-09.

Conditions:
LAMP2-related disorder. Also called: LAMP2-related condition.
Cardiovascular phenotype. Identifiers: MedGen CN230736.
Danon disease. Also called: Glycogen Storage Disease Type IIb; GSD IIb; LYSOSOMAL GLYCOGEN STORAGE DISEASE WITHOUT ACID MALTASE DEFICIENCY; ANTOPOL DISEASE; PSEUDOGLYCOGENOSIS II. Identifiers: Orphanet 34587, MedGen C0878677, MONDO:0010281, OMIM 300257.

Allele frequency attached by ClinVar (database versions not stated): ExAC 0.00011; gnomAD exomes 0.00011 and 0.00019; TOPMed 0.00012; gnomAD 0.00015; ESP Exome Variant Server 0.00019.
gnomAD v4.1: 216 of 1,206,301 alleles (0.018%); highest among the groups gnomAD compares: Non-Finnish European, 0.022%; no homozygotes.

Submissions (7):

Molecular Diagnostic Laboratory for Inherited Cardiovascular Disease, Montreal Heart Institute
Classification: Likely benign. Last evaluated: 2025-04-09. Review status: criteria provided, single submitter. Criteria: ACMG Guidelines, 2015. Collection method: clinical testing. Allele origin: germline. Affected: no.

Blueprint Genetics
Classification: Likely benign. Last evaluated: 2020-11-26. Review status: criteria provided, single submitter. Criteria: ACMG Guidelines, 2015. Collection method: clinical testing. Allele origin: germline.

Labcorp Genetics (formerly Invitae), Labcorp
Classification: Benign for Danon disease. Last evaluated: 2020-04-08. Review status: criteria provided, single submitter. Criteria: Invitae Variant Classification Sherloc (09022015). Collection method: clinical testing. Allele origin: germline.

Ambry Genetics
Classification: Likely benign for Cardiovascular phenotype. Last evaluated: 2018-07-23. Review status: criteria provided, single submitter. Criteria: Ambry Variant Classification Scheme 2023. Collection method: clinical testing. Allele origin: germline.

Laboratory for Molecular Medicine, Mass General Brigham Personalized Medicine
Classification: Likely benign. Last evaluated: 2014-07-25. Review status: criteria provided, single submitter. Criteria: LMM Criteria. Collection method: clinical testing. Allele origin: germline. Observed: 1 variant allele.
Comment: Ser369Ser in exon 9B of LAMP2: This variant is not expected to have clinical sig nificance because it does not alter an amino acid residue and is not located wit hin the splice consensus sequence. It has been identified in 1/3835 African Amer ican chromosomes from a broad population by the NHLBI Exome Sequencing Project (dbSNP rs149783672).

GeneDx
Classification: Benign. Last evaluated: 2014-03-11. Review status: criteria provided, single submitter. Criteria: GeneDx Variant Classification (06012015). Collection method: clinical testing. Allele origin: germline. Affected: yes.
Comment: This variant is considered likely benign or benign based on one or more of the following criteria: it is a conservative change, it occurs at a poorly conserved position in the protein, it is predicted to be benign by multiple in silico algorithms, and/or has population frequency not consistent with disease.

PreventionGenetics, part of Exact Sciences
Classification: Likely benign for LAMP2-related condition. Last evaluated: 2020-09-03. Review status: no assertion criteria provided. Collection method: clinical testing. Allele origin: germline. Not counted in ClinVar's aggregate classification.
Comment: This variant is classified as likely benign based on ACMG/AMP sequence variant interpretation guidelines (Richards et al. 2015 PMID: 25741868, with internal and published modifications).